The following is an entry in ClinVar:

ClinVar aggregate classification (germline): Conflicting classifications of pathogenicity. Review status: criteria provided, conflicting classifications (1 of 4 stars). 2 submissions from 2 submitters: Likely pathogenic (1); Uncertain significance (1). Last evaluated 2024-11-18.

Conditions:
Hyperinsulinemic hypoglycemia, familial, 2. Also called: HYPERINSULINEMIC HYPOGLYCEMIA, PERSISTENT; HYPERINSULINISM, NEONATAL. Identifiers: Orphanet 276580, Orphanet 276603, MedGen C2931833, MONDO:0011153, OMIM 601820. Disease mechanism: loss of function.

Submissions (2):

GeneDx
Classification: Uncertain significance. Last evaluated: 2024-11-18. Review status: criteria provided, single submitter. Criteria: GeneDx Variant Classification Process June 2021. Collection method: clinical testing. Allele origin: germline. Affected: yes.
Comment: Not observed at significant frequency in large population cohorts (gnomAD); In silico analysis supports that this missense variant has a deleterious effect on protein structure/function; This variant is associated with the following publications: (PMID: 32027066)

Genomic Medicine Center of Excellence, King Faisal Specialist Hospital and Research Centre
Classification: Likely pathogenic for Hyperinsulinemic hypoglycemia, familial, 2. Last evaluated: 2023-05-08. Review status: criteria provided, single submitter. Criteria: ACMG Guidelines, 2015. Collection method: research. Allele origin: germline. Affected: yes.

NM_000525.4(KCNJ11):c.112A>G (p.Lys38Glu)

Gene: KCNJ11 (potassium inwardly rectifying channel subfamily J member 11; minus strand). Cytogenetic location: 11p15.1.
Variant type: single nucleotide variant.
Coding change: c.112A>G on transcript NM_000525.4 (MANE Select); coding-DNA position 112, A replaced by G.
Protein change: p.Lys38Glu; replaces lysine 38 with glutamic acid.
Molecular consequence: missense variant. On other transcripts: intron variant (3).
Genome position (GRCh38, 1-based): chr11:17,387,980, T>C on the plus strand (A>G on the coding strand, the complement: KCNJ11 is on the minus strand). VCF-style: chr11-17387980-T-C. GRCh37 (hg19) VCF-style: chr11-17409527-T-C.
Other names: c.-16-134A>G (NM_001166290.2, NM_001377297.1); c.-17+38A>G (NM_001377296.1); c.112A>G (NM_000525.3); short protein forms K38E.
Identifiers: ClinVar variation 2501786 (VCV002501786.2), dbSNP rs2496412209, ClinGen allele CA379776881.